The following is an entry in ClinVar:

ClinVar aggregate classification (germline): Uncertain significance (1 of 4 stars; one submission).

Submission:

GeneDx
Classification: Uncertain significance. Last evaluated: 2023-12-17. Review status: criteria provided, single submitter. Criteria: GeneDx Variant Classification Process June 2021. Collection method: clinical testing. Allele origin: germline. Affected: yes.
Comment: Not observed at significant frequency in large population cohorts (gnomAD); In silico analysis supports that this missense variant has a deleterious effect on protein structure/function; Has not been previously published as pathogenic or benign to our knowledge

NM_001693.4(ATP6V1B2):c.1325A>C (p.Glu442Ala)

Gene: ATP6V1B2 (ATPase H+ transporting V1 subunit B2; plus strand). Cytogenetic location: 8p21.3.
Variant type: single nucleotide variant.
Coding change: c.1325A>C on transcript NM_001693.4 (MANE Select); coding-DNA position 1325, A replaced by C.
Protein change: p.Glu442Ala; replaces glutamic acid 442 with alanine.
Molecular consequence: missense variant.
Genome position (GRCh38, 1-based): chr8:20,218,211, A>C. VCF-style: chr8-20218211-A-C. GRCh37 (hg19) VCF-style: chr8-20075722-A-C.
Other names: short protein forms E442A.
Identifiers: ClinVar variation 3365849 (VCV003365849.1).